The following is an entry in ClinVar:

NM_000222.3(KIT):c.1204G>A (p.Ala402Thr)

Gene: KIT (KIT proto-oncogene, receptor tyrosine kinase; plus strand). Cytogenetic location: 4q12.
Variant type: single nucleotide variant.
Coding change: c.1204G>A on transcript NM_000222.3 (MANE Select); coding-DNA position 1204, G replaced by A.
Protein change: p.Ala402Thr; replaces alanine 402 with threonine.
Molecular consequence: missense variant.
Genome position (GRCh38, 1-based): chr4:54,709,512, G>A. VCF-style: chr4-54709512-G-A. GRCh37 (hg19) VCF-style: chr4-55575678-G-A.
Other names: c.1204G>A, p.Ala402Thr (NM_001093772.2, NM_001385285.1, NM_001385286.1); c.1207G>A, p.Ala403Thr (NM_001385284.1, NM_001385288.1, NM_001385290.1 and 1 more transcripts); short protein forms A402T, A403T.
Identifiers: ClinVar variation 1338107 (VCV001338107.7), dbSNP rs2109714391, ClinGen allele CA356902564.

ClinVar aggregate classification (germline): Uncertain significance. Review status: criteria provided, multiple submitters, no conflicts (2 of 4 stars). 2 submissions from 2 submitters: Uncertain significance (2). Last evaluated 2024-09-05.

Conditions:
Gastrointestinal stromal tumor. Also called: Gastrointestinal stroma tumor; Gastrointestinal stromal tumor, somatic. Identifiers: Orphanet 44890, MedGen C0238198, MeSH D046152, MONDO:0011719, OMIM 606764, HP:0100723.

Submissions (2):

Labcorp Genetics (formerly Invitae), Labcorp
Classification: Uncertain significance for Gastrointestinal stromal tumor. Last evaluated: 2024-09-05. Review status: criteria provided, single submitter. Criteria: Invitae Variant Classification Sherloc (09022015). Collection method: clinical testing. Allele origin: germline.
Comment: This sequence change replaces alanine, which is neutral and non-polar, with threonine, which is neutral and polar, at codon 402 of the KIT protein (p.Ala402Thr). This variant is not present in population databases (gnomAD no frequency). This variant has not been reported in the literature in individuals affected with KIT-related conditions. ClinVar contains an entry for this variant (Variation ID: 1338107). An algorithm developed to predict the effect of missense changes on protein structure and function (PolyPhen-2) suggests that this variant is likely to be tolerated. In summary, the available evidence is currently insufficient to determine the role of this variant in disease. Therefore, it has been classified as a Variant of Uncertain Significance.

Genetic Services Laboratory, University of Chicago
Classification: Uncertain significance. Last evaluated: 2021-09-27. Review status: criteria provided, single submitter. Criteria: ACMG Guidelines, 2015. Collection method: clinical testing. Allele origin: germline. Affected: no.
Comment: This sequence change does not appear to have been previously described in individuals with KIT-related disorders and has also not been described in the population databases such as ExAC and gnomAD. The p.Ala402Thr change affects a poorly conserved amino acid residue located in a domain of the KIT protein that is known to be functional. The p.Ala402Thr substitution appears to be benign using several in-silico pathogenicity prediction tools (SIFT, PolyPhen2, Align GVGD, REVEL). Due to insufficient evidence and the lack of functional studies, the clinical significance of the p.Ala402Thr change remains unknown at this time.